The following is an entry in ClinVar:

NM_000365.6(TPI1):c.669C>A (p.Ser223Arg)

Gene: TPI1 (triosephosphate isomerase 1; plus strand). Cytogenetic location: 12p13.31.
Variant type: single nucleotide variant.
Coding change: c.669C>A on transcript NM_000365.6 (MANE Select); coding-DNA position 669, C replaced by A.
Protein change: p.Ser223Arg; replaces serine 223 with arginine.
Molecular consequence: missense variant.
Genome position (GRCh38, 1-based): chr12:6,870,302, C>A. VCF-style: chr12-6870302-C-A. GRCh37 (hg19) VCF-style: chr12-6979466-C-A.
Other names: c.780C>A, p.Ser260Arg (NM_001159287.1); c.423C>A, p.Ser141Arg (NM_001258026.2); short protein forms S141R, S260R, S223R.
Identifiers: ClinVar variation 2006220 (VCV002006220.4), dbSNP rs1156910250, ClinGen allele CA383713663.

ClinVar aggregate classification (germline): Uncertain significance (1 of 4 stars; one submission).

Allele frequency attached by ClinVar (database versions not stated): gnomAD exomes below 0.00001.
gnomAD v4.1: 2 of 1,614,214 alleles (0.00012%); highest among the groups gnomAD compares: Non-Finnish European, 0.00017%; no homozygotes.

Submission:

Labcorp Genetics (formerly Invitae), Labcorp
Classification: Uncertain significance. Last evaluated: 2022-09-26. Review status: criteria provided, single submitter. Criteria: Invitae Variant Classification Sherloc (09022015). Collection method: clinical testing. Allele origin: germline.
Comment: This sequence change replaces serine, which is neutral and polar, with arginine, which is basic and polar, at codon 223 of the TPI1 protein (p.Ser223Arg). This variant is present in population databases (no rsID available, gnomAD 0.0009%). This variant has not been reported in the literature in individuals affected with TPI1-related conditions. Algorithms developed to predict the effect of missense changes on protein structure and function (SIFT, PolyPhen-2, Align-GVGD) all suggest that this variant is likely to be tolerated. In summary, the available evidence is currently insufficient to determine the role of this variant in disease. Therefore, it has been classified as a Variant of Uncertain Significance.